The following is an entry in ClinVar:

ClinVar aggregate classification (germline): Uncertain significance. Review status: criteria provided, multiple submitters, no conflicts (2 of 4 stars). 3 submissions from 3 submitters: Uncertain significance (3). Last evaluated 2025-06-02.

Conditions:
Inborn genetic diseases. Identifiers: MedGen C0950123, MeSH D030342.

Allele frequency attached by ClinVar (database versions not stated): gnomAD exomes below 0.00001; ExAC 0.00001; gnomAD 0.00001; TOPMed 0.00001.
gnomAD v4.1: 5 of 1,614,086 alleles (0.00031%); highest among the groups gnomAD compares: Admixed American, 0.0033%; no homozygotes.

Submissions (3):

Labcorp Genetics (formerly Invitae), Labcorp
Classification: Uncertain significance. Last evaluated: 2025-06-02. Review status: criteria provided, single submitter. Criteria: Invitae Variant Classification Sherloc (09022015). Collection method: clinical testing. Allele origin: germline.
Comment: This sequence change replaces isoleucine, which is neutral and non-polar, with methionine, which is neutral and non-polar, at codon 124 of the KCNJ6 protein (p.Ile124Met). This variant is present in population databases (rs747245357, gnomAD 0.003%). This variant has not been reported in the literature in individuals affected with KCNJ6-related conditions. ClinVar contains an entry for this variant (Variation ID: 2177232). Invitae Evidence Modeling of protein sequence and biophysical properties (such as structural, functional, and spatial information, amino acid conservation, physicochemical variation, residue mobility, and thermodynamic stability) indicates that this missense variant is not expected to disrupt KCNJ6 protein function with a negative predictive value of 80%. In summary, the available evidence is currently insufficient to determine the role of this variant in disease. Therefore, it has been classified as a Variant of Uncertain Significance.

Women's Health and Genetics/Laboratory Corporation of America, LabCorp
Classification: Uncertain significance. Last evaluated: 2024-12-10. Review status: criteria provided, single submitter. Criteria: LabCorp Variant Classification Summary - May 2015. Collection method: clinical testing. Allele origin: germline.
Comment: Variant summary: KCNJ6 c.372A>G (p.Ile124Met) results in a conservative amino acid change located in the Inward rectifier potassium channel transmembrane domain of the encoded protein sequence. Three of five in-silico tools predict a benign effect of the variant on protein function. The variant allele was found at a frequency of 8e-06 in 249566 control chromosomes. The available data on variant occurrences in the general population are insufficient to allow any conclusion about variant significance. To our knowledge, no occurrence of c.372A>G in individuals affected with Keppen-Lubinsky Syndrome and no experimental evidence demonstrating its impact on protein function have been reported. ClinVar contains an entry for this variant (Variation ID: 2177232). Based on the evidence outlined above, the variant was classified as uncertain significance.

Ambry Genetics
Classification: Uncertain significance for Inborn genetic diseases. Last evaluated: 2024-02-21. Review status: criteria provided, single submitter. Criteria: Ambry Variant Classification Scheme 2023. Collection method: clinical testing. Allele origin: germline.

NM_002240.5(KCNJ6):c.372A>G (p.Ile124Met)

Genes: KCNJ6 (potassium inwardly rectifying channel subfamily J member 6; minus strand), KCNJ6-AS1 (KCNJ6 antisense RNA 1; plus strand). Cytogenetic location: 21q22.13.
Variant type: single nucleotide variant.
Coding change: c.372A>G on transcript NM_002240.5 (MANE Select); coding-DNA position 372, A replaced by G.
Protein change: p.Ile124Met; replaces isoleucine 124 with methionine.
Molecular consequence: missense variant.
Genome position (GRCh38, 1-based): chr21:37,714,785, T>C on the plus strand (A>G on the coding strand, the complement: KCNJ6 is on the minus strand). VCF-style: chr21-37714785-T-C. GRCh37 (hg19) VCF-style: chr21-39087088-T-C.
Other names: c.372A>G (NM_002240.2); short protein forms I124M.
Identifiers: ClinVar variation 2177232 (VCV002177232.6), dbSNP rs747245357, ClinGen allele CA10024322.